The following is an entry in ClinVar:

NM_001130144.3(LTBP3):c.1286G>A (p.Cys429Tyr)

Gene: LTBP3 (latent transforming growth factor beta binding protein 3; minus strand). Cytogenetic location: 11q13.1.
Variant type: single nucleotide variant.
Coding change: c.1286G>A on transcript NM_001130144.3 (MANE Select); coding-DNA position 1286, G replaced by A.
Protein change: p.Cys429Tyr; replaces cysteine 429 with tyrosine.
Molecular consequence: missense variant.
Genome position (GRCh38, 1-based): chr11:65,552,307, C>T on the plus strand (G>A on the coding strand, the complement: LTBP3 is on the minus strand). VCF-style: chr11-65552307-C-T. GRCh37 (hg19) VCF-style: chr11-65319778-C-T.
Other names: c.935G>A, p.Cys312Tyr (NM_001164266.1); c.1286G>A, p.Cys429Tyr (NM_021070.4); short protein forms C312Y, C429Y.
Identifiers: ClinVar variation 4841381 (VCV004841381.1).
Genomic context (GRCh38, chr11:65,552,307, plus strand): 5'-CCGGTGCCATCTGTTGGGCAGCGCTGACACCGCGCGCCCCAGGCCTTGCCGACACTGCAG[C>T]AGCAGAGCTGGCGGGTCAGGCGGGTGGTCAGTGGGTGCTGGCACTGGTGCTCAGGGCTCA-3'
Protein context (NP_001123616.1, residues 419-439): LTTRLTRQLC[Cys429Tyr]CSVGKAWGAR

ClinVar aggregate classification (germline): Uncertain significance (1 of 4 stars; one submission).

Conditions:
Inborn genetic diseases. Identifiers: MedGen C0950123, MeSH D030342.

Submission:

Ambry Genetics
Classification: Uncertain significance for Inborn genetic diseases. Last evaluated: 2025-12-19. Review status: criteria provided, single submitter. Criteria: Ambry Variant Classification Scheme 2023. Collection method: clinical testing. Allele origin: germline.
Comment: The p.C429Y variant (also known as c.1286G>A), located in coding exon 7 of the LTBP3 gene, results from a G to A substitution at nucleotide position 1286. The cysteine at codon 429 is replaced by tyrosine, an amino acid with highly dissimilar properties. This amino acid position is conserved. In addition, this alteration is predicted to be deleterious by in silico analysis. Based on the available evidence, the clinical significance of this variant remains unclear.